The following is an entry in ClinVar:

ClinVar aggregate classification (germline): Likely benign. Review status: criteria provided, multiple submitters, no conflicts (2 of 4 stars). 2 submissions from 2 submitters: Likely benign (2). Last evaluated 2022-11-01.

Allele frequency attached by ClinVar (database versions not stated): 1000 Genomes Project 0.00040; TOPMed 0.00074; 1000 Genomes Project 30x 0.00078; gnomAD 0.00080 and 0.00083; ESP Exome Variant Server 0.00093; ExAC 0.00096.
gnomAD v4.1: 1,533 of 1,613,542 alleles (0.095%); highest among the groups gnomAD compares: East Asian, 0.39%; 3 homozygotes.

Submissions (2):

CeGaT Center for Human Genetics Tuebingen
Classification: Likely benign. Last evaluated: 2022-11-01. Review status: criteria provided, single submitter. Criteria: CeGaT Center For Human Genetics Tuebingen Variant Classification Criteria Version 2. Collection method: clinical testing. Allele origin: germline. Affected: yes. Observed: 1 variant allele.
Comment: CMYA5: BP4

Labcorp Genetics (formerly Invitae), Labcorp
Classification: Likely benign. Last evaluated: 2019-01-07. Review status: criteria provided, single submitter. Criteria: Invitae Variant Classification Sherloc (09022015). Collection method: clinical testing. Allele origin: germline.

NM_153610.5(CMYA5):c.8872G>T (p.Ala2958Ser)

Gene: CMYA5 (cardiomyopathy associated 5; plus strand). Cytogenetic location: 5q14.1.
Variant type: single nucleotide variant.
Coding change: c.8872G>T on transcript NM_153610.5 (MANE Select); coding-DNA position 8872, G replaced by T.
Protein change: p.Ala2958Ser; replaces alanine 2958 with serine.
Molecular consequence: missense variant.
Genome position (GRCh38, 1-based): chr5:79,737,637, G>T. VCF-style: chr5-79737637-G-T. GRCh37 (hg19) VCF-style: chr5-79033460-G-T.
Other names: short protein forms A2958S.
Identifiers: ClinVar variation 708563 (VCV000708563.27), dbSNP rs191897488, ClinGen allele CA3322696.
Genomic context (GRCh38, chr5:79,737,637, plus strand): 5'-GAAGATCAGAAGACTGCCTTTAGTATCATTTCTGAAGGCTGTGAGATATTGAATATTCAT[G>T]CTCCGGCCTTTATTTCTTCAATCGATCAGGAAGAAAGTGAACAAATGCAAGATAAATTAG-3'
Protein context (NP_705838.3, residues 2948-2968): SEGCEILNIH[Ala2958Ser]PAFISSIDQE